The following is an entry in ClinVar:

ClinVar aggregate classification (germline): Pathogenic. Review status: criteria provided, multiple submitters, no conflicts (2 of 4 stars). 2 submissions from 2 submitters: Pathogenic (2). Last evaluated 2024-06-21.

Conditions:
Hereditary cancer-predisposing syndrome. Also called: Tumor predisposition; Hereditary Cancer Syndrome; Hereditary neoplastic syndrome; Neoplastic Syndromes, Hereditary. Identifiers: Orphanet 140162, MedGen C0027672, MeSH D009386, MONDO:0015356.
Familial cancer of breast. Also called: BREAST CANCER, FAMILIAL; Hereditary breast cancer; hereditary breast carcinoma. Identifiers: Orphanet 227535, MedGen C0346153, MONDO:0016419, OMIM 114480. Disease mechanism: loss of function.

Submissions (2):

Ambry Genetics
Classification: Pathogenic for Hereditary cancer-predisposing syndrome. Last evaluated: 2024-06-21. Review status: criteria provided, single submitter. Criteria: Ambry Variant Classification Scheme 2023. Collection method: clinical testing. Allele origin: germline.
Comment: The p.S260* pathogenic mutation (also known as c.779C>A), located in coding exon 5 of the CHEK2 gene, results from a C to A substitution at nucleotide position 779. This changes the amino acid from a serine to a stop codon within coding exon 5. This variant is considered to be rare based on population cohorts in the Genome Aggregation Database (gnomAD). This alteration is expected to result in loss of function by premature protein truncation or nonsense-mediated mRNA decay. As such, this alteration is interpreted as a disease-causing mutation.

Labcorp Genetics (formerly Invitae), Labcorp
Classification: Pathogenic for Familial cancer of breast. Last evaluated: 2016-11-18. Review status: criteria provided, single submitter. Criteria: Invitae Variant Classification Sherloc (09022015). Collection method: clinical testing. Allele origin: germline.
Comment: For these reasons, this variant has been classified as Pathogenic. While this particular variant has not been reported in the literature, loss-of-function variants in CHEK2 are known to be pathogenic (PMID: 21876083, 24713400). This sequence change creates a premature translational stop signal at codon 260 (p.Ser260*) of the CHEK2 gene. It is expected to result in an absent or disrupted protein product.

Literature cited by the submitters: PubMed 21876083 (cited by Labcorp Genetics (formerly Invitae), Labcorp); PubMed 24713400 (cited by Labcorp Genetics (formerly Invitae), Labcorp).

NM_007194.4(CHEK2):c.779C>A (p.Ser260Ter)

Gene: CHEK2 (checkpoint kinase 2; minus strand). Cytogenetic location: 22q12.1.
Variant type: single nucleotide variant.
Coding change: c.779C>A on transcript NM_007194.4 (MANE Select); coding-DNA position 779, C replaced by A.
Protein change: p.Ser260Ter; replaces serine 260 with a stop codon.
Molecular consequence: nonsense.
Genome position (GRCh38, 1-based): chr22:28,711,922, G>T on the plus strand (C>A on the coding strand, the complement: CHEK2 is on the minus strand). VCF-style: chr22-28711922-G-T. GRCh37 (hg19) VCF-style: chr22-29107910-G-T.
Other names: c.908C>A, p.Ser303Ter (NM_001005735.3); c.116C>A, p.Ser39Ter (NM_001257387.3); c.578C>A, p.Ser193Ter (NM_001349956.3); c.779C>A, p.Ser260Ter (NM_145862.3); short protein forms S260*, S193*, S39*, S303*.
Identifiers: ClinVar variation 410048 (VCV000410048.10), dbSNP rs1060502710, ClinGen allele CA16616334.